The following is an entry in ClinVar:

ClinVar aggregate classification (germline): Uncertain significance (1 of 4 stars; one submission).

Conditions:
TECTA-related disorder. Also called: TECTA-related condition.

gnomAD v4.1: 26 of 1,613,674 alleles (0.0016%); highest among the groups gnomAD compares: East Asian, 0.018%; no homozygotes.

Submission:

PreventionGenetics, part of Exact Sciences
Classification: Uncertain significance for TECTA-related condition. Last evaluated: 2026-01-20. Review status: criteria provided, single submitter. Criteria: ACMG Guidelines, 2015. Collection method: clinical testing. Allele origin: germline.
Comment: The TECTA c.2824C>T variant is predicted to result in the amino acid substitution p.Arg942Cys. To our knowledge, this variant has not been reported in the literature. This variant is reported in 0.030% of alleles in individuals of East Asian descent in gnomAD. At this time, the clinical significance of this variant is uncertain due to the absence of conclusive functional and genetic evidence.

NM_005422.4(TECTA):c.2824C>T (p.Arg942Cys)

Genes: TBCEL-TECTA (TBCEL-TECTA readthrough; plus strand), TECTA (tectorin alpha; plus strand), LOC126861365 (P300/CBP strongly-dependent group 1 enhancer GRCh37_chr11:121000154-121001353; plus strand). Cytogenetic location: 11q23.3.
Variant type: single nucleotide variant.
Coding change: c.2824C>T on transcript NM_005422.4 (MANE Select); coding-DNA position 2824, C replaced by T.
Protein change: p.Arg942Cys; replaces arginine 942 with cysteine.
Molecular consequence: missense variant.
Genome position (GRCh38, 1-based): chr11:121,130,094, C>T. VCF-style: chr11-121130094-C-T. GRCh37 (hg19) VCF-style: chr11-121000803-C-T.
Other names: c.3781C>T, p.Arg1261Cys (NM_001378761.1); short protein forms R942C, R1261C.
Identifiers: ClinVar variation 4980682 (VCV004980682.1).